The following is an entry in ClinVar:

ClinVar aggregate classification (germline): Uncertain significance (1 of 4 stars; one submission).

Allele frequency attached by ClinVar (database versions not stated): TOPMed below 0.00001; gnomAD 0.00001.
gnomAD v4.1: 2 of 1,613,460 alleles (0.00012%); highest among the groups gnomAD compares: Admixed American, 0.0017%; no homozygotes.

Submission:

Labcorp Genetics (formerly Invitae), Labcorp
Classification: Uncertain significance. Last evaluated: 2022-05-28. Review status: criteria provided, single submitter. Criteria: Invitae Variant Classification Sherloc (09022015). Collection method: clinical testing. Allele origin: germline.
Comment: In summary, the available evidence is currently insufficient to determine the role of this variant in disease. Therefore, it has been classified as a Variant of Uncertain Significance. Algorithms developed to predict the effect of missense changes on protein structure and function are either unavailable or do not agree on the potential impact of this missense change (SIFT: "Tolerated"; PolyPhen-2: "Possibly Damaging"; Align-GVGD: "Class C0"). This variant has not been reported in the literature in individuals affected with LAMC3-related conditions. This variant is not present in population databases (gnomAD no frequency). This sequence change replaces alanine, which is neutral and non-polar, with proline, which is neutral and non-polar, at codon 630 of the LAMC3 protein (p.Ala630Pro).

NM_006059.4(LAMC3):c.1888G>C (p.Ala630Pro)

Gene: LAMC3 (laminin subunit gamma 3; plus strand). Cytogenetic location: 9q34.12.
Variant type: single nucleotide variant.
Coding change: c.1888G>C on transcript NM_006059.4 (MANE Select); coding-DNA position 1888, G replaced by C.
Protein change: p.Ala630Pro; replaces alanine 630 with proline.
Molecular consequence: missense variant.
Genome position (GRCh38, 1-based): chr9:131,052,914, G>C. VCF-style: chr9-131052914-G-C. GRCh37 (hg19) VCF-style: chr9-133928301-G-C.
Other names: short protein forms A630P.
Identifiers: ClinVar variation 2075855 (VCV002075855.4), dbSNP rs757212621, ClinGen allele CA375264431.